The following is an entry in ClinVar:

ClinVar aggregate classification (germline): Uncertain significance. Review status: criteria provided, multiple submitters, no conflicts (2 of 4 stars). 2 submissions from 2 submitters: Uncertain significance (2). Last evaluated 2024-09-25.

Conditions:
Primary ciliary dyskinesia. Also called: Ciliary dyskinesia. Identifiers: Orphanet 244, MedGen C0008780, MONDO:0016575, HP:0012265.
Primary ciliary dyskinesia 23 (CILD23). Also called: CILIARY DYSKINESIA, PRIMARY, 23, WITH OR WITHOUT SITUS INVERSUS. Identifiers: Orphanet 244, MedGen C3809548, MONDO:0014193, OMIM 615451.

Allele frequency attached by ClinVar (database versions not stated): gnomAD 0.00001; gnomAD exomes 0.00002; TOPMed 0.00004; 1000 Genomes Project 30x 0.00031; 1000 Genomes Project 0.00040.
gnomAD v4.1: 37 of 1,613,372 alleles (0.0023%); highest among the groups gnomAD compares: East Asian, 0.034%; no homozygotes.

Submissions (2):

Ambry Genetics
Classification: Uncertain significance for Primary ciliary dyskinesia. Last evaluated: 2024-09-25. Review status: criteria provided, single submitter. Criteria: Ambry Variant Classification Scheme 2023. Collection method: clinical testing. Allele origin: germline.

Labcorp Genetics (formerly Invitae), Labcorp
Classification: Uncertain significance for Primary ciliary dyskinesia 23. Last evaluated: 2022-02-25. Review status: criteria provided, single submitter. Criteria: Invitae Variant Classification Sherloc (09022015). Collection method: clinical testing. Allele origin: germline.
Comment: This sequence change replaces arginine, which is basic and polar, with histidine, which is basic and polar, at codon 609 of the ARMC4 protein (p.Arg609His). This variant is present in population databases (rs193065583, gnomAD 0.03%). This variant has not been reported in the literature in individuals affected with ARMC4-related conditions. Algorithms developed to predict the effect of missense changes on protein structure and function are either unavailable or do not agree on the potential impact of this missense change (SIFT: "Deleterious"; PolyPhen-2: "Probably Damaging"; Align-GVGD: "Class C0"). In summary, the available evidence is currently insufficient to determine the role of this variant in disease. Therefore, it has been classified as a Variant of Uncertain Significance.

NM_018076.5(ODAD2):c.1826G>A (p.Arg609His)

Gene: ODAD2 (outer dynein arm docking complex subunit 2; minus strand). Cytogenetic location: 10p12.1.
Variant type: single nucleotide variant.
Coding change: c.1826G>A on transcript NM_018076.5 (MANE Select); coding-DNA position 1826, G replaced by A.
Protein change: p.Arg609His; replaces arginine 609 with histidine.
Molecular consequence: missense variant.
Genome position (GRCh38, 1-based): chr10:27,940,723, C>T on the plus strand (G>A on the coding strand, the complement: ODAD2 is on the minus strand). VCF-style: chr10-27940723-C-T. GRCh37 (hg19) VCF-style: chr10-28229652-C-T.
Other names: c.1826G>A (NM_018076.2); c.1826G>A, p.Arg609His (NM_001290020.2); c.401G>A, p.Arg134His (NM_001290021.2); c.902G>A, p.Arg301His (NM_001312689.2); short protein forms R609H, R134H, R301H.
Identifiers: ClinVar variation 2035026 (VCV002035026.2), dbSNP rs193065583, ClinGen allele CA5453384.